The following is an entry in ClinVar:

NM_000138.5(FBN1):c.905G>A (p.Gly302Asp)

Gene: FBN1 (fibrillin 1; minus strand). Cytogenetic location: 15q21.1.
Variant type: single nucleotide variant.
Coding change: c.905G>A on transcript NM_000138.5 (MANE Select); coding-DNA position 905, G replaced by A.
Protein change: p.Gly302Asp; replaces glycine 302 with aspartic acid.
Molecular consequence: missense variant.
Genome position (GRCh38, 1-based): chr15:48,526,213, C>T on the plus strand (G>A on the coding strand, the complement: FBN1 is on the minus strand). VCF-style: chr15-48526213-C-T. GRCh37 (hg19) VCF-style: chr15-48818410-C-T.
Other names: c.905G>A, p.Gly302Asp (NM_001406716.1); short protein forms G302D.
Identifiers: ClinVar variation 2942893 (VCV002942893.2), dbSNP rs779866501, ClinGen allele CA392350318.
Genomic context (GRCh38, chr15:48,526,213, plus strand): 5'-GAGGTGTAAAAACCAGGGGGACATTTGCAAAAGTAACTGCTGACTGTGTTTGTACATTCA[C>T]CCCCTTCACAGATTCCAGGAATGGTGCTGCATTCATCAATATCTGGAATATAAAAAAAAG-3'
Protein context (NP_000129.3, residues 292-312): CSTIPGICEG[Gly302Asp]ECTNTVSSYF

ClinVar aggregate classification (germline): Uncertain significance. Review status: criteria provided, multiple submitters, no conflicts (2 of 4 stars). 2 submissions from 2 submitters: Uncertain significance (2). Last evaluated 2023-10-02.

Conditions:
Marfan syndrome (MFS). Also called: MARFAN SYNDROME, TYPE I; Marfan syndrome type 1; Marfan's syndrome; Marfan syndrome, classic; FBN1-Related Marfan Syndrome. Identifiers: Orphanet 284963, Orphanet 558, MedGen C0024796, MONDO:0007947, OMIM 154700.
Familial thoracic aortic aneurysm and aortic dissection (TAAD). Also called: Thoracic aortic aneurysms and dissections. Identifiers: Orphanet 91387, MedGen C4707243, MONDO:0019625.

Allele frequency attached by ClinVar (database versions not stated): TOPMed below 0.00001.
gnomAD v4.1: 1 of 1,613,974 alleles (0.000062%); highest among the groups gnomAD compares: African/African-American, 0.0013%; no homozygotes.

Submissions (2):

All of Us Research Program, National Institutes of Health
Classification: Uncertain significance for Marfan syndrome. Last evaluated: 2023-10-02. Review status: criteria provided, single submitter. Criteria: ACMG Guidelines, 2015. Collection method: clinical testing. Allele origin: germline. Inheritance: Autosomal dominant inheritance. Observed: 1 variant allele, 1 heterozygote.
Comment: This missense variant replaces glycine with aspartic acid at codon 302 of the FBN1 protein. Computational prediction suggests that this variant may have deleterious impact on protein structure and function (internally defined REVEL score threshold >= 0.7, PMID: 27666373). Although functional studies have not been reported for this variant, it changes a critical glycine residue between Cys2-Cys3 in EGF-like calcium-binding domain motif 5 and is likely to impact FBN1 protein function (PMID: 31227806). This variant has not been reported in individuals affected with FBN1-related disorders in the literature. This variant has not been identified in the general population by the Genome Aggregation Database (gnomAD). The available evidence is insufficient to determine the role of this variant in disease conclusively. Therefore, this variant is classified as a Variant of Uncertain Significance.

This study involves interpretation of variants in research participants for the purpose of population health screening. Participant phenotype was not available at the time of variant classification. Additional details can be found in publication PMID: 35346344, PMCID: PMC8962531

Labcorp Genetics (formerly Invitae), Labcorp
Classification: Uncertain significance for Marfan syndrome; Familial thoracic aortic aneurysm and aortic dissection. Last evaluated: 2023-03-28. Review status: criteria provided, single submitter. Criteria: Invitae Variant Classification Sherloc (09022015). Collection method: clinical testing. Allele origin: germline.
Comment: In summary, the available evidence is currently insufficient to determine the role of this variant in disease. Therefore, it has been classified as a Variant of Uncertain Significance. Advanced modeling of protein sequence and biophysical properties (such as structural, functional, and spatial information, amino acid conservation, physicochemical variation, residue mobility, and thermodynamic stability) performed at Invitae indicates that this missense variant is expected to disrupt FBN1 protein function. This variant has not been reported in the literature in individuals affected with FBN1-related conditions. This variant is not present in population databases (gnomAD no frequency). This sequence change replaces glycine, which is neutral and non-polar, with aspartic acid, which is acidic and polar, at codon 302 of the FBN1 protein (p.Gly302Asp).

Literature cited by the submitters: PubMed 31227806 (cited by All of Us Research Program, National Institutes of Health).